The following is an entry in ClinVar:

NM_003919.3(SGCE):c.110-9528C>A

Gene: SGCE (sarcoglycan epsilon; minus strand). Cytogenetic location: 7q21.3.
Variant type: single nucleotide variant.
Coding change: c.110-9528C>A on transcript NM_003919.3 (MANE Select); 9528 bases into the intron before coding-DNA position 110, C replaced by A.
Molecular consequence: intron variant. On other transcripts: missense variant (2), 5 prime UTR variant (2).
Genome position (GRCh38, 1-based): chr7:94,639,369, G>T on the plus strand (C>A on the coding strand, the complement: SGCE is on the minus strand). VCF-style: chr7-94639369-G-T. GRCh37 (hg19) VCF-style: chr7-94268681-G-T.
Other names: c.189C>A, p.Ser63Arg (NM_001346713.2, NM_001346715.2); c.-7C>A (NM_001346719.2, NM_001362807.2); c.110-11010C>A (NM_001362809.2, NM_001301139.2); c.110-9528C>A (NM_001346717.2, NM_001099400.2, NM_001099401.2); c.-165+5237C>A (NM_001362808.2, NM_001346720.2); short protein forms S63R.
Identifiers: ClinVar variation 1695560 (VCV001695560.2), dbSNP rs2117036611, ClinGen allele CA368393343.

ClinVar aggregate classification (germline): Uncertain significance (1 of 4 stars; one submission).

Submission:

GeneDx
Classification: Uncertain significance. Last evaluated: 2022-01-11. Review status: criteria provided, single submitter. Criteria: GeneDx Variant Classification Process June 2021. Collection method: clinical testing. Allele origin: germline. Affected: yes.
Comment: Not observed at significant frequency in large population cohorts (gnomAD); In silico analysis supports that this variant does not alter splicing; Has not been previously published as pathogenic or benign to our knowledge